The following is an entry in ClinVar:

NM_001014447.3(CPZ):c.1604-8G>T

Gene: CPZ (carboxypeptidase Z; plus strand). Cytogenetic location: 4p16.1.
Variant type: single nucleotide variant.
Coding change: c.1604-8G>T on transcript NM_001014447.3 (MANE Select); 8 bases into the intron before coding-DNA position 1604, G replaced by T.
Molecular consequence: intron variant.
Genome position (GRCh38, 1-based): chr4:8,619,254, G>T. VCF-style: chr4-8619254-G-T. GRCh37 (hg19) VCF-style: chr4-8620981-G-T.
Other names: c.1193-8G>T (NM_001014448.3); c.1571-8G>T (NM_003652.4); c.1604-8G>T (NM_001014447.2).
Identifiers: ClinVar variation 783319 (VCV000783319.6), dbSNP rs115406813, ClinGen allele CA2854011.

ClinVar aggregate classification (germline): Benign. Review status: criteria provided, multiple submitters, no conflicts (2 of 4 stars). 3 submissions from 3 submitters: Benign (2). 1 of the submissions does not count toward it. Last evaluated 2017-12-14.

Conditions:
CPZ-related disorder. Also called: CPZ-related condition.

Allele frequency attached by ClinVar (database versions not stated): 1000 Genomes Project 0.00359; gnomAD 0.00397 and 0.00439; ExAC 0.00270; TOPMed 0.00435; ESP Exome Variant Server 0.00469; 1000 Genomes Project 30x 0.00390.
gnomAD v4.1: 1,188 of 1,599,318 alleles (0.074%); highest among the groups gnomAD compares: African/African-American, 1.4%; 8 homozygotes.

Submissions (3):

Labcorp Genetics (formerly Invitae), Labcorp
Classification: Benign. Last evaluated: 2017-12-14. Review status: criteria provided, single submitter. Criteria: Invitae Variant Classification Sherloc (09022015). Collection method: clinical testing. Allele origin: germline.

Breakthrough Genomics
Classification: Benign. Review status: criteria provided, single submitter. Criteria: ACMG Guidelines, 2015. Collection method: not provided. Allele origin: germline. Inheritance: Unknown mechanism. Affected: yes.

PreventionGenetics, part of Exact Sciences
Classification: Benign for CPZ-related condition. Last evaluated: 2020-02-18. Review status: no assertion criteria provided. Collection method: clinical testing. Allele origin: germline. Not counted in ClinVar's aggregate classification.
Comment: This variant is classified as benign based on ACMG/AMP sequence variant interpretation guidelines (Richards et al. 2015 PMID: 25741868, with internal and published modifications).